The following is an entry in ClinVar:

NM_001148.6(ANK2):c.1616G>A (p.Arg539Gln)

Gene: ANK2 (ankyrin 2; plus strand). Cytogenetic location: 4q26.
Variant type: single nucleotide variant.
Coding change: c.1616G>A on transcript NM_001148.6 (MANE Select); coding-DNA position 1616, G replaced by A.
Protein change: p.Arg539Gln; replaces arginine 539 with glutamine.
Molecular consequence: missense variant.
Genome position (GRCh38, 1-based): chr4:113,274,582, G>A. VCF-style: chr4-113274582-G-A. GRCh37 (hg19) VCF-style: chr4-114195738-G-A.
Other names: c.1553G>A, p.Arg518Gln (NM_001127493.3, NM_001354239.2, NM_001354243.2 and 14 more transcripts); c.1616G>A, p.Arg539Gln (NM_001354225.2, NM_001354228.2, NM_001354232.2 and 8 more transcripts); c.1661G>A, p.Arg554Gln (NM_001354230.2, NM_001354231.2, NM_001354237.2 and 5 more transcripts); c.1529G>A, p.Arg510Gln (NM_001354249.2, NM_001354260.2, NM_001354264.2 and 13 more transcripts); c.1574G>A, p.Arg525Gln (NM_001354261.2, NM_001386147.1, NM_001386160.1); c.1406G>A, p.Arg469Gln (NM_001354269.3); c.1418G>A, p.Arg473Gln (NM_001354273.2); c.1331G>A, p.Arg444Gln (NM_001354277.2, NM_001386157.1, NM_001386158.1); and 4 more; short protein forms R444Q, R469Q, R473Q, R510Q, R518Q, R525Q, R527Q, R535Q.
Identifiers: ClinVar variation 1201941 (VCV001201941.12), dbSNP rs927869437, ClinGen allele CA103781260.

ClinVar aggregate classification (germline): Uncertain significance. Review status: criteria provided, multiple submitters, no conflicts (2 of 4 stars). 2 submissions from 2 submitters: Uncertain significance (2). Last evaluated 2025-12-08.

Conditions:
Long QT syndrome (LQTS). Identifiers: MedGen C0023976, MeSH D008133, MONDO:0002442. Disease mechanism: loss of function. Inheritance: Various modes of inheritance.

Allele frequency attached by ClinVar (database versions not stated): gnomAD exomes below 0.00001; gnomAD 0.00001; TOPMed 0.00002.
gnomAD v4.1: 6 of 1,614,060 alleles (0.00037%); highest among the groups gnomAD compares: African/African-American, 0.004%; no homozygotes.

Submissions (2):

Labcorp Genetics (formerly Invitae), Labcorp
Classification: Uncertain significance for Long QT syndrome. Last evaluated: 2025-12-08. Review status: criteria provided, single submitter. Criteria: Invitae Variant Classification Sherloc (09022015). Collection method: clinical testing. Allele origin: germline.
Comment: This sequence change replaces arginine, which is basic and polar, with glutamine, which is neutral and polar, at codon 539 of the ANK2 protein (p.Arg539Gln). This variant is present in population databases (no rsID available, gnomAD 0.007%). This variant has not been reported in the literature in individuals affected with ANK2-related conditions. ClinVar contains an entry for this variant (Variation ID: 1201941). Invitae Evidence Modeling of protein sequence and biophysical properties (such as structural, functional, and spatial information, amino acid conservation, physicochemical variation, residue mobility, and thermodynamic stability) has been performed for this missense variant. However, the output from this modeling did not meet the statistical confidence thresholds required to predict the impact of this variant on ANK2 protein function. In summary, the available evidence is currently insufficient to determine the role of this variant in disease. Therefore, it has been classified as a Variant of Uncertain Significance.

GeneDx
Classification: Uncertain significance. Last evaluated: 2025-03-10. Review status: criteria provided, single submitter. Criteria: GeneDx Variant Classification Process June 2021. Collection method: clinical testing. Allele origin: germline. Affected: yes.
Comment: Not observed at significant frequency in large population cohorts (gnomAD); In silico analysis supports that this missense variant has a deleterious effect on protein structure/function; Has not been previously published as pathogenic or benign to our knowledge